The following is an entry in ClinVar:

NM_005422.4(TECTA):c.211G>A (p.Gly71Arg)

Genes: TBCEL-TECTA (TBCEL-TECTA readthrough; plus strand), TECTA (tectorin alpha; plus strand). Cytogenetic location: 11q23.3.
Variant type: single nucleotide variant.
Coding change: c.211G>A on transcript NM_005422.4 (MANE Select); coding-DNA position 211, G replaced by A.
Protein change: p.Gly71Arg; replaces glycine 71 with arginine.
Molecular consequence: missense variant.
Genome position (GRCh38, 1-based): chr11:121,109,223, G>A. VCF-style: chr11-121109223-G-A. GRCh37 (hg19) VCF-style: chr11-120979932-G-A.
Other names: c.1168G>A, p.Gly390Arg (NM_001378761.1); short protein forms G390R, G71R.
Identifiers: ClinVar variation 3383142 (VCV003383142.2).

ClinVar aggregate classification (germline): Uncertain significance (1 of 4 stars; one submission).

Conditions:
Autosomal recessive nonsyndromic hearing loss 21. Identifiers: Orphanet 90636, MedGen C1863655, MONDO:0011351, OMIM 603629.

gnomAD v4.1: 35 of 1,614,132 alleles (0.0022%); highest among the groups gnomAD compares: Non-Finnish European, 0.0029%; no homozygotes.

Submission:

Juno Genomics, Hangzhou Juno Genomics, Inc
Classification: Uncertain significance for Autosomal recessive nonsyndromic hearing loss 21. Review status: criteria provided, single submitter. Criteria: ACMG Guidelines, 2015. Collection method: clinical testing. Allele origin: germline. Affected: yes.
Comment: Absent from controls (or at extremely low frequency if recessive) in Genome Aggregation Database, Exome Sequencing Project, 1000 Genomes Project, or Exome Aggregation Consortium.;Multiple lines of computational evidence support a deleterious effect on the gene or gene product (conservation, evolutionary, splicing impact, etc).;For recessive disorders, detected in trans with a pathogenic variant.